The following is an entry in ClinVar:

ClinVar aggregate classification (germline): Likely pathogenic (1 of 4 stars; one submission).

Submission:

Quest Diagnostics Nichols Institute San Juan Capistrano
Classification: Likely pathogenic. Last evaluated: 2024-10-04. Review status: criteria provided, single submitter. Criteria: Quest Diagnostics criteria. Collection method: clinical testing. Allele origin: unknown.
Comment: The NF1 c.3904_3905insGA (p.Asp1302Glyfs*8) variant alters the translational reading frame of the NF1 mRNA and is predicted to cause the premature termination of NF1 protein synthesis. This variant has not been reported in individuals with NF1-related conditions in the published literature. This variant has not been reported in large, multi-ethnic general populations (Genome Aggregation Database). Based on the available information, this variant is classified as likely pathogenic.

NM_001042492.3(NF1):c.3904_3905del (p.Asp1302fs)

Gene: NF1 (neurofibromin 1; plus strand). Cytogenetic location: 17q11.2.
Variant type: Deletion.
Coding change: c.3904_3905del on transcript NM_001042492.3 (MANE Select); coding-DNA positions 3904 to 3905, 2 bases deleted (GA; older notation c.3904_3905delGA).
Protein change: p.Asp1302fs; shifts the reading frame from aspartic acid 1302.
Molecular consequence: frameshift variant.
Genome position (GRCh38, 1-based): chr17:31,235,951-31,235,952, GA deleted. VCF-style (leftmost placement, unchanged base first): chr17-31235950-GGA-G. GRCh37 (hg19) VCF-style: chr17-29562968-GGA-G.
Other names: c.3904_3905delGA, p.Asp1302Serfs (NM_000267.4); short protein forms D1302fs.
Identifiers: ClinVar variation 3572032 (VCV003572032.1).